The following is an entry in ClinVar:

ClinVar aggregate classification (germline): Uncertain significance (1 of 4 stars; one submission).

Conditions:
Charcot-Marie-Tooth disease type 4. Also called: Charcot-Marie-Tooth disease, type IV; Charcot-Marie-Tooth, Type 4. Identifiers: Orphanet 64749, MedGen C4082197, MONDO:0018995.

Submission:

Labcorp Genetics (formerly Invitae), Labcorp
Classification: Uncertain significance for Charcot-Marie-Tooth disease type 4. Last evaluated: 2022-03-19. Review status: criteria provided, single submitter. Criteria: Invitae Variant Classification Sherloc (09022015). Collection method: clinical testing. Allele origin: germline.
Comment: This sequence change replaces alanine, which is neutral and non-polar, with proline, which is neutral and non-polar, at codon 962 of the SH3TC2 protein (p.Ala962Pro). This variant is not present in population databases (gnomAD no frequency). This variant has not been reported in the literature in individuals affected with SH3TC2-related conditions. Advanced modeling of protein sequence and biophysical properties (such as structural, functional, and spatial information, amino acid conservation, physicochemical variation, residue mobility, and thermodynamic stability) performed at Invitae indicates that this missense variant is not expected to disrupt SH3TC2 protein function. In summary, the available evidence is currently insufficient to determine the role of this variant in disease. Therefore, it has been classified as a Variant of Uncertain Significance.

NM_024577.4(SH3TC2):c.2884G>C (p.Ala962Pro)

Gene: SH3TC2 (SH3 domain and tetratricopeptide repeats 2; minus strand). Cytogenetic location: 5q32.
Variant type: single nucleotide variant.
Coding change: c.2884G>C on transcript NM_024577.4 (MANE Select); coding-DNA position 2884, G replaced by C.
Protein change: p.Ala962Pro; replaces alanine 962 with proline.
Molecular consequence: missense variant.
Genome position (GRCh38, 1-based): chr5:149,026,741, C>G on the plus strand (G>C on the coding strand, the complement: SH3TC2 is on the minus strand). VCF-style: chr5-149026741-C-G. GRCh37 (hg19) VCF-style: chr5-148406304-C-G.
Other names: short protein forms A962P.
Identifiers: ClinVar variation 2114492 (VCV002114492.4), dbSNP rs2531770731, ClinGen allele CA361665406.